The following is an entry in ClinVar:

NM_170606.3(KMT2C):c.4092+6_4092+7del

Gene: KMT2C (lysine methyltransferase 2C; minus strand). Cytogenetic location: 7q36.1.
Variant type: Microsatellite.
Coding change: c.4092+6_4092+7del on transcript NM_170606.3 (MANE Select); bases 6 to 7 of the intron after coding-DNA position 4092, 2 bases deleted (AT; older notation c.4092+6_4092+7delAT).
Molecular consequence: intron variant.
Genome position (GRCh38, 1-based): chr7:152,202,927-152,202,928, AT deleted on the plus strand (AT on the coding strand, the reverse complement: KMT2C is on the minus strand); deleting any 2 consecutive bases within chr7:152,202,927-152,202,930 gives the same sequence; the c. name uses the placement nearest the transcript's 3' end. VCF-style (leftmost placement, unchanged base first): chr7-152202926-AAT-A. GRCh37 (hg19) VCF-style: chr7-151900011-AAT-A.
Identifiers: ClinVar variation 1440233 (VCV001440233.8), dbSNP rs754113886, ClinGen allele CA4580651.

ClinVar aggregate classification (germline): Uncertain significance (1 of 4 stars; one submission).

Submission:

Labcorp Genetics (formerly Invitae), Labcorp
Classification: Uncertain significance. Last evaluated: 2021-02-05. Review status: criteria provided, single submitter. Criteria: Invitae Variant Classification Sherloc (09022015). Collection method: clinical testing. Allele origin: germline.
Comment: In summary, the available evidence is currently insufficient to determine the role of this variant in disease. Therefore, it has been classified as a Variant of Uncertain Significance. Algorithms developed to predict the effect of sequence changes on RNA splicing suggest that this variant is not likely to affect RNA splicing, but this prediction has not been confirmed by published transcriptional studies. This variant has not been reported in the literature in individuals with KMT2C-related conditions. This variant is present in population databases (rs754113886, ExAC 0.03%). This sequence change falls in intron 26 of the KMT2C gene. It does not directly change the encoded amino acid sequence of the KMT2C protein, but it affects a nucleotide within the consensus splice site of the intron.